The following is an entry in ClinVar:

ClinVar aggregate classification (germline): Uncertain significance (0 of 4 stars; one submission).

Conditions:
ALMS1-related disorder. Also called: ALMS1-related condition.

Submission:

PreventionGenetics, part of Exact Sciences
Classification: Uncertain significance for ALMS1-related condition. Last evaluated: 2023-12-14. Review status: no assertion criteria provided. Collection method: clinical testing. Allele origin: germline.
Comment: The ALMS1 c.4357G>C variant is predicted to result in the amino acid substitution p.Glu1453Gln. To our knowledge, this variant has not been reported in the literature. This variant is reported in 0.0085% of alleles in individuals of Latino descent in gnomAD. At this time, the clinical significance of this variant is uncertain due to the absence of conclusive functional and genetic evidence.

NM_001378454.1(ALMS1):c.4354G>C (p.Ala1452Pro)

Gene: ALMS1 (ALMS1 centrosome and basal body associated protein; plus strand). Cytogenetic location: 2p13.1.
Variant type: single nucleotide variant.
Coding change: c.4354G>C on transcript NM_001378454.1 (MANE Select); coding-DNA position 4354, G replaced by C.
Protein change: p.Ala1452Pro; replaces alanine 1452 with proline.
Molecular consequence: missense variant.
Genome position (GRCh38, 1-based): chr2:73,450,881, G>C. VCF-style: chr2-73450881-G-C. GRCh37 (hg19) VCF-style: chr2-73678008-G-C.
Other names: c.4357G>C, p.Ala1453Pro (NM_015120.4); short protein forms A1452P, A1453P.
Identifiers: ClinVar variation 3352923 (VCV003352923.1).
Genomic context (GRCh38, chr2:73,450,881, plus strand): 5'-ACAGAGAAGCCTGGTAGTTTCTACCAACAGGTCTTGCCACATAGTCATCTACCTGAAGAG[G>C]CTTTGGAAGTTTCAGTTGCTCCTGGACCAGTTGACCAGACGATTGGCACACCAACTGTAA-3'
Protein context (NP_001365383.1, residues 1442-1462): VLPHSHLPEE[Ala1452Pro]LEVSVAPGPV